The following is an entry in ClinVar:

NM_000540.3(RYR1):c.10030C>T (p.Pro3344Ser)

Gene: RYR1 (ryanodine receptor 1; plus strand). Cytogenetic location: 19q13.2.
Variant type: single nucleotide variant.
Coding change: c.10030C>T on transcript NM_000540.3 (MANE Select); coding-DNA position 10030, C replaced by T.
Protein change: p.Pro3344Ser; replaces proline 3344 with serine.
Molecular consequence: missense variant.
Genome position (GRCh38, 1-based): chr19:38,519,225, C>T. VCF-style: chr19-38519225-C-T. GRCh37 (hg19) VCF-style: chr19-39009865-C-T.
Other names: c.10030C>T (NM_000540.2); c.10030C>T, p.Pro3344Ser (NM_001042723.2); short protein forms P3344S.
Identifiers: ClinVar variation 1399887 (VCV001399887.8), dbSNP rs2145688445, ClinGen allele CA405694593.

ClinVar aggregate classification (germline): Uncertain significance. Review status: criteria provided, multiple submitters, no conflicts (2 of 4 stars). 4 submissions from 4 submitters: Uncertain significance (4). Last evaluated 2025-06-02.

Conditions:
Malignant hyperthermia, susceptibility to, 1 (MHS1). Also called: Anesthesia related hyperthermia; Malignant hyperpyrexia; Fulminating hyperpyrexia; Pharmacogenic myopathy; Malignant hyperthermia suceptibility 1; RYR1-Related Malignant Hyperthermia Susceptibility. Identifiers: Orphanet 423, MedGen C2930980, MONDO:0007783, OMIM 145600.
RYR1-related disorder. Also called: RYR1-related disorders; RYR1-related condition. Identifiers: MedGen CN239331.

Submissions (4):

GeneDx
Classification: Uncertain significance. Last evaluated: 2025-06-02. Review status: criteria provided, single submitter. Criteria: GeneDx Variant Classification Process June 2021. Collection method: clinical testing. Allele origin: germline. Affected: yes.
Comment: Not observed at significant frequency in large population cohorts (gnomAD); In silico analysis supports that this missense variant has a deleterious effect on protein structure/function; Has not been previously published as pathogenic or benign to our knowledge

All of Us Research Program, National Institutes of Health
Classification: Uncertain significance for Malignant hyperthermia, susceptibility to, 1. Last evaluated: 2024-05-14. Review status: criteria provided, single submitter. Criteria: ACMG Guidelines, 2015. Collection method: clinical testing. Allele origin: germline. Inheritance: Autosomal dominant inheritance. Observed: 1 variant allele, 1 heterozygote.
Comment: This missense variant replaces proline with serine at codon 3344 of the RYR1 protein. Computational prediction is inconclusive regarding the impact of this variant on protein structure and function. To our knowledge, functional studies have not been reported for this variant. This variant has not been reported in individuals affected with RYR1-related disorders in the literature. This variant has not been identified in the general population by the Genome Aggregation Database (gnomAD). The available evidence is insufficient to determine the role of this variant in disease conclusively. Therefore, this variant is classified as a Variant of Uncertain Significance.

This study involves interpretation of variants in research participants for the purpose of population health screening. Participant phenotype was not available at the time of variant classification. Additional details can be found in publication PMID: 35346344, PMCID: PMC8962531

Color Diagnostics, LLC DBA Color Health
Classification: Uncertain significance for Malignant hyperthermia, susceptibility to, 1. Last evaluated: 2024-05-06. Review status: criteria provided, single submitter. Criteria: ACMG Guidelines, 2015. Collection method: clinical testing. Allele origin: germline.
Comment: This missense variant replaces proline with serine at codon 3344 of the RYR1 protein. Computational prediction is inconclusive regarding the impact of this variant on protein structure and function. To our knowledge, functional studies have not been reported for this variant. This variant has not been reported in individuals affected with RYR1-related disorders in the literature. This variant has not been identified in the general population by the Genome Aggregation Database (gnomAD). The available evidence is insufficient to determine the role of this variant in disease conclusively. Therefore, this variant is classified as a Variant of Uncertain Significance.

Labcorp Genetics (formerly Invitae), Labcorp
Classification: Uncertain significance for RYR1-related disorder. Last evaluated: 2021-10-09. Review status: criteria provided, single submitter. Criteria: Invitae Variant Classification Sherloc (09022015). Collection method: clinical testing. Allele origin: germline.
Comment: This variant is not present in population databases (ExAC no frequency). This variant has not been reported in the literature in individuals affected with RYR1-related conditions. Advanced modeling of protein sequence and biophysical properties (such as structural, functional, and spatial information, amino acid conservation, physicochemical variation, residue mobility, and thermodynamic stability) performed at Invitae indicates that this missense variant is not expected to disrupt RYR1 protein function. In summary, the available evidence is currently insufficient to determine the role of this variant in disease. Therefore, it has been classified as a Variant of Uncertain Significance. This sequence change replaces proline with serine at codon 3344 of the RYR1 protein (p.Pro3344Ser). The proline residue is highly conserved and there is a moderate physicochemical difference between proline and serine.